The following is an entry in ClinVar:

NM_000138.5(FBN1):c.8032dup (p.Tyr2678fs)

Gene: FBN1 (fibrillin 1; minus strand). Cytogenetic location: 15q21.1.
Variant type: Duplication.
Coding change: c.8032dup on transcript NM_000138.5 (MANE Select); coding-DNA position 8032, one base duplicated (T; older notation c.8032dupT).
Protein change: p.Tyr2678fs; shifts the reading frame from tyrosine 2678.
Molecular consequence: frameshift variant.
Genome position (GRCh38, 1-based): chr15:48,415,555, A duplicated on the plus strand (T on the coding strand, the reverse complement: FBN1 is on the minus strand); the first of 2 consecutive A bases (chr15:48,415,555-48,415,556); duplicating either gives the same sequence. VCF-style (leftmost placement, unchanged base first): chr15-48415554-T-TA. GRCh37 (hg19) VCF-style: chr15-48707751-T-TA.
Other names: short protein forms Y2678fs.
Identifiers: ClinVar variation 936118 (VCV000936118.7), dbSNP rs2042895751, ClinGen allele CA1139663885.

ClinVar aggregate classification (germline): Pathogenic (1 of 4 stars; one submission).

Conditions:
Familial thoracic aortic aneurysm and aortic dissection (TAAD). Also called: Thoracic aortic aneurysms and dissections. Identifiers: Orphanet 91387, MedGen C4707243, MONDO:0019625.
Marfan syndrome (MFS). Also called: Marfan syndrome, classic; Marfan syndrome type 1; Marfan's syndrome; FBN1-Related Marfan Syndrome; MARFAN SYNDROME, TYPE I. Identifiers: Orphanet 284963, Orphanet 558, MedGen C0024796, MONDO:0007947, OMIM 154700.

Submission:

Labcorp Genetics (formerly Invitae), Labcorp
Classification: Pathogenic for Marfan syndrome; Familial thoracic aortic aneurysm and aortic dissection. Last evaluated: 2019-07-12. Review status: criteria provided, single submitter. Criteria: Invitae Variant Classification Sherloc (09022015). Collection method: clinical testing. Allele origin: germline.
Comment: This sequence change creates a premature translational stop signal (p.Tyr2678Leufs*27) in the FBN1 gene. It is expected to result in an absent or disrupted protein product. This variant is not present in population databases (ExAC no frequency). This variant has not been reported in the literature in individuals with FBN1-related conditions. Loss-of-function variants in FBN1 are known to be pathogenic (PMID: 17657824, 19293843). For these reasons, this variant has been classified as Pathogenic.

Literature cited by the submitters: PubMed 17657824; PubMed 19293843.